The following is an entry in ClinVar:

NM_001080.3(ALDH5A1):c.1588G>A (p.Val530Met)

Gene: ALDH5A1 (aldehyde dehydrogenase 5 family member A1; plus strand). Cytogenetic location: 6p22.3.
Variant type: single nucleotide variant.
Coding change: c.1588G>A on transcript NM_001080.3 (MANE Select); coding-DNA position 1588, G replaced by A.
Protein change: p.Val530Met; replaces valine 530 with methionine.
Molecular consequence: missense variant.
Genome position (GRCh38, 1-based): chr6:24,533,692, G>A. VCF-style: chr6-24533692-G-A. GRCh37 (hg19) VCF-style: chr6-24533920-G-A.
Other names: c.1444G>A, p.Val482Met (NM_001368954.1); c.1627G>A, p.Val543Met (NM_170740.1); short protein forms V482M, V530M, V543M.
Identifiers: ClinVar variation 1964678 (VCV001964678.5), dbSNP rs1027980375, ClinGen allele CA362967954.

ClinVar aggregate classification (germline): Uncertain significance (1 of 4 stars; one submission).

Conditions:
Succinate-semialdehyde dehydrogenase deficiency (SSADHD). Also called: 4-HYDROXYBUTYRIC ACIDURIA; GABA METABOLIC DEFECT; SSADH DEFICIENCY; Succinic Semialdehyde Dehydrogenase Deficiency. Identifiers: Orphanet 22, MedGen C0268631, MONDO:0010083, OMIM 271980.

Submission:

Labcorp Genetics (formerly Invitae), Labcorp
Classification: Uncertain significance for Succinate-semialdehyde dehydrogenase deficiency. Last evaluated: 2024-01-29. Review status: criteria provided, single submitter. Criteria: Invitae Variant Classification Sherloc (09022015). Collection method: clinical testing. Allele origin: germline.
Comment: This sequence change replaces valine, which is neutral and non-polar, with methionine, which is neutral and non-polar, at codon 530 of the ALDH5A1 protein (p.Val530Met). This variant is not present in population databases (gnomAD no frequency). This variant has not been reported in the literature in individuals affected with ALDH5A1-related conditions. ClinVar contains an entry for this variant (Variation ID: 1964678). Advanced modeling of protein sequence and biophysical properties (such as structural, functional, and spatial information, amino acid conservation, physicochemical variation, residue mobility, and thermodynamic stability) performed at Invitae indicates that this missense variant is not expected to disrupt ALDH5A1 protein function with a negative predictive value of 80%. Algorithms developed to predict the effect of sequence changes on RNA splicing suggest that this variant may create or strengthen a splice site. In summary, the available evidence is currently insufficient to determine the role of this variant in disease. Therefore, it has been classified as a Variant of Uncertain Significance.